The following is an entry in ClinVar:

ClinVar aggregate classification (germline): Uncertain significance (1 of 4 stars; one submission).

Conditions:
Cardiovascular phenotype. Identifiers: MedGen CN230736.

Allele frequency attached by ClinVar (database versions not stated): gnomAD 0.00002.
gnomAD v4.1: 3 of 1,613,988 alleles (0.00019%); highest among the groups gnomAD compares: Non-Finnish European, 0.00025%; no homozygotes.

Submission:

Ambry Genetics
Classification: Uncertain significance for Cardiovascular phenotype. Last evaluated: 2024-02-26. Review status: criteria provided, single submitter. Criteria: Ambry Variant Classification Scheme 2023. Collection method: clinical testing. Allele origin: germline.
Comment: The p.Q563E variant (also known as c.1687C>G), located in coding exon 16 of the PRKAG2 gene, results from a C to G substitution at nucleotide position 1687. The glutamine at codon 563 is replaced by glutamic acid, an amino acid with highly similar properties. This amino acid position is conserved. In addition, this alteration is predicted to be tolerated by in silico analysis. Based on the available evidence, the clinical significance of this alteration remains unclear.

NM_016203.4(PRKAG2):c.1687C>G (p.Gln563Glu)

Gene: PRKAG2 (protein kinase AMP-activated non-catalytic subunit gamma 2; minus strand). Cytogenetic location: 7q36.1.
Variant type: single nucleotide variant.
Coding change: c.1687C>G on transcript NM_016203.4 (MANE Select); coding-DNA position 1687, C replaced by G.
Protein change: p.Gln563Glu; replaces glutamine 563 with glutamic acid.
Molecular consequence: missense variant. On other transcripts: 3 prime UTR variant (7).
Genome position (GRCh38, 1-based): chr7:151,557,224, G>C on the plus strand (C>G on the coding strand, the complement: PRKAG2 is on the minus strand). VCF-style: chr7-151557224-G-C. GRCh37 (hg19) VCF-style: chr7-151254310-G-C.
Other names: c.1555C>G, p.Gln519Glu (NM_001040633.2, NM_001407024.1); c.1312C>G, p.Gln438Glu (NM_001304527.2); c.964C>G, p.Gln322Glu (NM_001304531.2, NM_024429.2); c.1315C>G, p.Gln439Glu (NM_001363698.2); c.*3118C>G (NM_001407021.1, NM_001407022.1, NM_001407028.1 and 4 more transcripts); c.1684C>G, p.Gln562Glu (NM_001407023.1); c.1552C>G, p.Gln518Glu (NM_001407026.1, NM_001407027.1); c.1399C>G, p.Gln467Glu (NM_001407030.1); and 6 more; short protein forms Q321E, Q322E, Q338E, Q342E, Q438E, Q439E, Q455E, Q457E.
Identifiers: ClinVar variation 3226897 (VCV003226897.1), dbSNP rs397517267, ClinGen allele CA370070199.